The following is an entry in ClinVar:

ClinVar aggregate classification (germline): Uncertain significance. Review status: criteria provided, multiple submitters, no conflicts (2 of 4 stars). 2 submissions from 2 submitters: Uncertain significance (2). Last evaluated 2026-09-22.

Conditions:
ABCG5-related disorder. Also called: ABCG5-related condition.
Sitosterolemia (STSL). Also called: PHYTOSTEROLEMIA. Identifiers: Orphanet 2882, MedGen C0342907, MONDO:0008863.

Allele frequency attached by ClinVar (database versions not stated): ESP Exome Variant Server 0.00015.
gnomAD v4.1: 85 of 1,613,776 alleles (0.0053%); highest among the groups gnomAD compares: East Asian, 0.011%; no homozygotes.

Submissions (2):

PreventionGenetics, part of Exact Sciences
Classification: Uncertain significance for ABCG5-related condition. Last evaluated: 2026-09-22. Review status: criteria provided, single submitter. Criteria: ACMG Guidelines, 2015. Collection method: clinical testing. Allele origin: germline.
Comment: The ABCG5 c.914C>T variant is predicted to result in the amino acid substitution p.Thr305Met. To our knowledge, this variant has not been reported in the literature. This variant is reported in 0.016% of alleles in individuals of East Asian descent in gnomAD. An alternative missense variant affecting the same amino acid residue (p.Thr305Arg) has been reported in individuals with sitosterolemia and/or dyslipidemia (See for example: Bastida et al. 2017. PubMed ID: 28696550; Table S4, Dron et al. 2020. PubMed ID: 32041611). At this time, the clinical significance of this variant is uncertain due to the absence of conclusive functional and genetic evidence.

Labcorp Genetics (formerly Invitae), Labcorp
Classification: Uncertain significance for Sitosterolemia. Last evaluated: 2022-04-24. Review status: criteria provided, single submitter. Criteria: Invitae Variant Classification Sherloc (09022015). Collection method: clinical testing. Allele origin: germline.
Comment: This sequence change replaces threonine, which is neutral and polar, with methionine, which is neutral and non-polar, at codon 305 of the ABCG5 protein (p.Thr305Met). This variant is present in population databases (rs143740796, gnomAD 0.02%). This variant has not been reported in the literature in individuals affected with ABCG5-related conditions. Algorithms developed to predict the effect of missense changes on protein structure and function (SIFT, PolyPhen-2, Align-GVGD) all suggest that this variant is likely to be disruptive. In summary, the available evidence is currently insufficient to determine the role of this variant in disease. Therefore, it has been classified as a Variant of Uncertain Significance.

NM_022436.3(ABCG5):c.914C>T (p.Thr305Met)

Genes: ABCG5 (ATP binding cassette subfamily G member 5; minus strand), DYNC2LI1 (dynein cytoplasmic 2 light intermediate chain 1; plus strand). Cytogenetic location: 2p21.
Variant type: single nucleotide variant.
Coding change: c.914C>T on transcript NM_022436.3 (MANE Select); coding-DNA position 914, C replaced by T.
Protein change: p.Thr305Met; replaces threonine 305 with methionine.
Molecular consequence: missense variant. On other transcripts: intron variant (2).
Genome position (GRCh38, 1-based): chr2:43,824,423, G>A on the plus strand (C>T on the coding strand, the complement: ABCG5 is on the minus strand). VCF-style: chr2-43824423-G-A. GRCh37 (hg19) VCF-style: chr2-44051562-G-A.
Other names: c.*16-2963G>A (NM_001348913.2, NM_001348912.2); short protein forms T305M.
Identifiers: ClinVar variation 2064668 (VCV002064668.3), dbSNP rs143740796, ClinGen allele CA1636443.
Genomic context (GRCh38, chr2:43,824,423, plus strand): 5'-ATCATCTGGACTCTCTTGGAGGTTTCTATTTCCCGTTCCTTGCTTTGGGTATCCACTGAC[G>A]TCAGGTCCACTAAAAGTTTTTCCCAAAAGATGTCACCCATGTGTTTTTAAATGCATGTAT-3'
Protein context (NP_071881.1, residues 295-315): SNPFDFYMDL[Thr305Met]SVDTQSKERE